The following is an entry in ClinVar:

NM_006922.4(SCN3A):c.4265T>C (p.Ile1422Thr)

Gene: SCN3A (sodium voltage-gated channel alpha subunit 3; minus strand). Cytogenetic location: 2q24.3.
Variant type: single nucleotide variant.
Coding change: c.4265T>C on transcript NM_006922.4 (MANE Select); coding-DNA position 4265, T replaced by C.
Protein change: p.Ile1422Thr; replaces isoleucine 1422 with threonine.
Molecular consequence: missense variant.
Genome position (GRCh38, 1-based): chr2:165,096,495, A>G on the plus strand (T>C on the coding strand, the complement: SCN3A is on the minus strand). VCF-style: chr2-165096495-A-G. GRCh37 (hg19) VCF-style: chr2-165953005-A-G.
Other names: c.4118T>C, p.Ile1373Thr (NM_001081676.2, NM_001081677.2); short protein forms I1373T, I1422T.
Identifiers: ClinVar variation 4070731 (VCV004070731.1).
Genomic context (GRCh38, chr2:165,096,495, plus strand): 5'-GAACCTATAAATAATATTTGAGTGATACTTACATCTCGTGAATCAACAGCTGCATACATA[A>G]TATCCATCCAGCCTTTAAATGTGGCCTGTAAATAACATATATTTGAATTGTTCATAAAAA-3'
Protein context (NP_008853.3, residues 1412-1432): QVATFKGWMD[Ile1422Thr]MYAAVDSRDV

ClinVar aggregate classification (germline): Uncertain significance (1 of 4 stars; one submission).

gnomAD v4.1: 2 of 1,611,806 alleles (0.00012%); highest among the groups gnomAD compares: Admixed American, 0.0017%; no homozygotes.

Submission:

GeneDx
Classification: Uncertain significance. Last evaluated: 2025-01-15. Review status: criteria provided, single submitter. Criteria: GeneDx Variant Classification Process June 2021. Collection method: clinical testing. Allele origin: germline. Affected: yes.
Comment: Not observed at significant frequency in large population cohorts (gnomAD); In silico analysis supports that this missense variant has a deleterious effect on protein structure/function; Has not been previously published as pathogenic or benign to our knowledge